The following is an entry in ClinVar:

ClinVar aggregate classification (germline): Uncertain significance (1 of 4 stars; one submission).

Conditions:
Hyperkalemic periodic paralysis. Also called: Familial hyperkalemic periodic paralysis; Gamstorp disease. Identifiers: Orphanet 682, MedGen C0238357, MONDO:0008224, OMIM 170500, HP:0007215.

Submission:

Labcorp Genetics (formerly Invitae), Labcorp
Classification: Uncertain significance for Hyperkalemic periodic paralysis. Last evaluated: 2021-08-02. Review status: criteria provided, single submitter. Criteria: Invitae Variant Classification Sherloc (09022015). Collection method: clinical testing. Allele origin: germline.
Comment: In summary, the available evidence is currently insufficient to determine the role of this variant in disease. Therefore, it has been classified as a Variant of Uncertain Significance. Algorithms developed to predict the effect of missense changes on protein structure and function output the following: SIFT: "Tolerated"; PolyPhen-2: "Benign"; Align-GVGD: "Class C0". The serine amino acid residue is found in multiple mammalian species, which suggests that this missense change does not adversely affect protein function. This variant has not been reported in the literature in individuals affected with SCN4A-related conditions. This variant is not present in population databases (ExAC no frequency). This sequence change replaces glycine with serine at codon 1796 of the SCN4A protein (p.Gly1796Ser). The glycine residue is moderately conserved and there is a small physicochemical difference between glycine and serine.

NM_000334.4(SCN4A):c.5386G>A (p.Gly1796Ser)

Genes: GH-LCR (growth hormone locus control region; plus strand), SCN4A (sodium voltage-gated channel alpha subunit 4; minus strand). Cytogenetic location: 17q23.3.
Variant type: single nucleotide variant.
Coding change: c.5386G>A on transcript NM_000334.4 (MANE Select); coding-DNA position 5386, G replaced by A.
Protein change: p.Gly1796Ser; replaces glycine 1796 with serine.
Molecular consequence: missense variant.
Genome position (GRCh38, 1-based): chr17:63,940,896, C>T on the plus strand (G>A on the coding strand, the complement: SCN4A is on the minus strand). VCF-style: chr17-63940896-C-T. GRCh37 (hg19) VCF-style: chr17-62018256-C-T.
Other names: short protein forms G1796S.
Identifiers: ClinVar variation 1494965 (VCV001494965.6), dbSNP rs2144772958, ClinGen allele CA400610472.